The following is an entry in ClinVar:

ClinVar aggregate classification (germline): Uncertain significance. Review status: criteria provided, multiple submitters, no conflicts (2 of 4 stars). 3 submissions from 3 submitters: Uncertain significance (2). 1 of the submissions does not count toward it. Last evaluated 2026-03-25.

Conditions:
Rhabdomyosarcoma. Also called: Rhabdomyosarcoma (disease). Identifiers: Orphanet 780, MedGen C0035412, MeSH D012208, MONDO:0005212, HP:0002859.
RASopathy. Also called: rasopathies; Noonan spectrum disorder. Identifiers: Orphanet 536391, MedGen C5555857, MONDO:0021060.

gnomAD v4.1: 3 of 1,614,086 alleles (0.00019%); highest among the groups gnomAD compares: Non-Finnish European, 0.00025%; no homozygotes.

Submissions (3):

GeneDx
Classification: Uncertain significance. Last evaluated: 2026-03-25. Review status: criteria provided, single submitter. Criteria: GeneDx Variant Classification Process June 2021. Collection method: clinical testing. Allele origin: germline.
Comment: Observed in a patient with embryonal rhabdomyosarcoma in published literature (PMID: 33372952); Nonsense variant predicted to result in protein truncation or nonsense mediated decay in a gene or region of a gene for which loss of function is not a known mechanism of disease; Not observed at significant frequency in large population cohorts (gnomAD); This variant is associated with the following publications: (PMID: 38862964, 33372952)

Labcorp Genetics (formerly Invitae), Labcorp
Classification: Uncertain significance for RASopathy. Last evaluated: 2025-02-06. Review status: criteria provided, single submitter. Criteria: Invitae Variant Classification Sherloc (09022015). Collection method: clinical testing. Allele origin: germline.
Comment: This sequence change creates a premature translational stop signal (p.Arg499*) in the CBL gene. It is expected to result in an absent or disrupted protein product. However, the current clinical and genetic evidence is not sufficient to establish whether loss-of-function variants in CBL cause disease. This variant is not present in population databases (gnomAD no frequency). This premature translational stop signal has been observed in individual(s) with CBL-related conditions (PMID: 33372952). ClinVar contains an entry for this variant (Variation ID: 978807). In summary, the available evidence is currently insufficient to determine the role of this variant in disease. Therefore, it has been classified as a Variant of Uncertain Significance.

Human Genome Sequencing Center Clinical Lab, Baylor College of Medicine
Classification: Likely pathogenic for Rhabdomyosarcoma. Last evaluated: 2020-09-01. Review status: no assertion criteria provided. Collection method: provider interpretation. Allele origin: germline. Affected: yes. Not counted in ClinVar's aggregate classification.

Literature cited by the submitters: PubMed 33372952 (cited by Labcorp Genetics (formerly Invitae), Labcorp).

NM_005188.4(CBL):c.1495C>T (p.Arg499Ter)

Gene: CBL (Cbl proto-oncogene; plus strand). Cytogenetic location: 11q23.3.
Variant type: single nucleotide variant.
Coding change: c.1495C>T on transcript NM_005188.4 (MANE Select); coding-DNA position 1495, C replaced by T.
Protein change: p.Arg499Ter; replaces arginine 499 with a stop codon.
Molecular consequence: nonsense.
Genome position (GRCh38, 1-based): chr11:119,285,032, C>T. VCF-style: chr11-119285032-C-T. GRCh37 (hg19) VCF-style: chr11-119155742-C-T.
Other names: c.1495C>T (NM_005188.2); short protein forms R499*.
Identifiers: ClinVar variation 978807 (VCV000978807.3), dbSNP rs778927765, ClinGen allele CA382918078.
Genomic context (GRCh38, chr11:119,285,032, plus strand): 5'-GAACGGCCGCCTTCTCCATTCTCCATGGCCCCACAAGCTTCCCTTCCCCCGGTGCCACCA[C>T]GACTTGACCTTCTGCCGCAGCGAGTATGTGTTCCCTCAAGTGCTTCTGCTCTTGGAACTG-3'